The following is an entry in ClinVar:

NM_021930.6(RINT1):c.656T>A (p.Phe219Tyr)

Gene: RINT1 (RAD50 interactor 1; plus strand). Cytogenetic location: 7q22.3.
Variant type: single nucleotide variant.
Coding change: c.656T>A on transcript NM_021930.6 (MANE Select); coding-DNA position 656, T replaced by A.
Protein change: p.Phe219Tyr; replaces phenylalanine 219 with tyrosine.
Molecular consequence: missense variant. On other transcripts: 5 prime UTR variant (2), non-coding transcript variant (1), intron variant (1).
Genome position (GRCh38, 1-based): chr7:105,547,050, T>A. VCF-style: chr7-105547050-T-A. GRCh37 (hg19) VCF-style: chr7-105187497-T-A.
Other names: c.422T>A, p.Phe141Tyr (NM_001346599.2); c.-364T>A (NM_001346600.2); c.-267T>A (NM_001346601.2); c.-27-3005T>A (NM_001346603.2); short protein forms F141Y, F219Y.
Identifiers: ClinVar variation 3433628 (VCV003433628.1).

ClinVar aggregate classification (germline): Uncertain significance (1 of 4 stars; one submission).

Submission:

Ambry Genetics
Classification: Uncertain significance. Last evaluated: 2024-09-30. Review status: criteria provided, single submitter. Criteria: Ambry Variant Classification Scheme 2023. Collection method: clinical testing. Allele origin: germline.
Comment: The p.F219Y variant (also known as c.656T>A), located in coding exon 5 of the RINT1 gene, results from a T to A substitution at nucleotide position 656. The phenylalanine at codon 219 is replaced by tyrosine, an amino acid with highly similar properties. This amino acid position is conserved. In addition, the in silico prediction for this alteration is inconclusive. Based on the available evidence, the clinical significance of this variant remains unclear.